The following is an entry in ClinVar:

ClinVar aggregate classification (germline): Benign. Review status: criteria provided, multiple submitters, no conflicts (2 of 4 stars). 3 submissions from 3 submitters: Benign (3). Last evaluated 2024-07-15.

Conditions:
Developmental and epileptic encephalopathy, 77. Also called: GLYCOSYLPHOSPHATIDYLINOSITOL BIOSYNTHESIS DEFECT 19; MULTIPLE CONGENITAL ANOMALIES-HYPOTONIA-SEIZURES SYNDROME 4; EPILEPTIC ENCEPHALOPATHY, EARLY INFANTILE, 77. Identifiers: MedGen C5231405, MONDO:0032808, OMIM 618548.

Allele frequency attached by ClinVar (database versions not stated): gnomAD 0.44962 and 0.45854; TOPMed 0.45009; gnomAD exomes 0.49535; 1000 Genomes Project 30x 0.52748; 1000 Genomes Project 0.53155; ExAC 0.55039.
gnomAD v4.1: 215,765 of 455,356 alleles (47%); highest among the groups gnomAD compares: East Asian, 62%; 53,024 homozygotes.

Submissions (3):

Unidad de Genómica Garrahan, Hospital de Pediatría Garrahan
Classification: Benign. Last evaluated: 2024-07-15. Review status: criteria provided, single submitter. Criteria: ACMG Guidelines, 2015. Collection method: clinical testing. Allele origin: germline. Affected: no. Observed: 66 variant alleles.
Comment: This variant is classified as Benign based on local population frequency. This variant was detected in 71% of patients studied in a panel designed for Epileptic and Developmental Encephalopathy and Progressive Myoclonus Epilepsy. Number of patients: 66. Only high quality variants are reported.

Genome-Nilou Lab
Classification: Benign for Developmental and epileptic encephalopathy, 77. Last evaluated: 2021-07-14. Review status: criteria provided, single submitter. Criteria: ACMG Guidelines, 2015. Collection method: clinical testing. Allele origin: germline. Affected: no.

Breakthrough Genomics
Classification: Benign. Review status: criteria provided, single submitter. Criteria: ACMG Guidelines, 2015. Collection method: not provided. Allele origin: germline. Inheritance: Autosomal recessive inheritance. Affected: yes.

NM_004204.5(PIGQ):c.-9-1501A>G

Gene: PIGQ (phosphatidylinositol glycan anchor biosynthesis class Q; plus strand). Cytogenetic location: 16p13.3.
Variant type: single nucleotide variant.
Coding change: c.-9-1501A>G on transcript NM_004204.5 (MANE Select); 1501 bases into the intron before 9 bases upstream of the start codon, A replaced by G.
Molecular consequence: intron variant.
Genome position (GRCh38, 1-based): chr16:572,565, A>G. VCF-style: chr16-572565-A-G. GRCh37 (hg19) VCF-style: chr16-622565-A-G.
Other names: c.-9-1501A>G (NM_148920.4).
Identifiers: ClinVar variation 1185510 (VCV001185510.5), dbSNP rs12917944, ClinGen allele CA7779703.